The following is an entry in ClinVar:

ClinVar aggregate classification (germline): Uncertain significance. Review status: criteria provided, multiple submitters, no conflicts (2 of 4 stars). 5 submissions from 2 submitters: Uncertain significance (5). Last evaluated 2024-01-27.

Conditions:
Neurofibromatosis, familial spinal (FSNF). Identifiers: Orphanet 636, MedGen C1834235, MONDO:0008078, OMIM 162210. Disease mechanism: loss of function.
Neurofibromatosis-Noonan syndrome (NFNS). Also called: NEUROFIBROMATOSIS WITH NOONAN PHENOTYPE. Identifiers: Orphanet 638, MedGen C2931482, MONDO:0011035, OMIM 601321. Disease mechanism: loss of function.
Café-au-lait macules with pulmonary stenosis (WTSN). Also called: PULMONIC STENOSIS WITH CAFE-AU-LAIT SPOTS. Identifiers: MedGen C0553586, MONDO:0008672, OMIM 193520.
Neurofibromatosis, type 1 (NF1). Also called: VON RECKLINGHAUSEN DISEASE; NEUROFIBROMATOSIS, TYPE I, SOMATIC; Neurofibromatosis, type I; Peripheral type neurofibromatosis. Identifiers: Orphanet 636, MedGen C0027831, MONDO:0018975, OMIM 162200. Disease mechanism: loss of function.

Submissions (5):

Labcorp Genetics (formerly Invitae), Labcorp
Classification: Uncertain significance for Neurofibromatosis, type 1. Last evaluated: 2024-01-27. Review status: criteria provided, single submitter. Criteria: Invitae Variant Classification Sherloc (09022015). Collection method: clinical testing. Allele origin: germline.
Comment: This sequence change replaces alanine, which is neutral and non-polar, with glutamic acid, which is acidic and polar, at codon 2315 of the NF1 protein (p.Ala2315Glu). This variant is not present in population databases (gnomAD no frequency). This variant has not been reported in the literature in individuals affected with NF1-related conditions. ClinVar contains an entry for this variant (Variation ID: 322576). Advanced modeling of protein sequence and biophysical properties (such as structural, functional, and spatial information, amino acid conservation, physicochemical variation, residue mobility, and thermodynamic stability) has been performed at Invitae for this missense variant, however the output from this modeling did not meet the statistical confidence thresholds required to predict the impact of this variant on NF1 protein function. In summary, the available evidence is currently insufficient to determine the role of this variant in disease. Therefore, it has been classified as a Variant of Uncertain Significance.

Illumina Laboratory Services, Illumina
Classification: Uncertain significance for Neurofibromatosis, type 1. Last evaluated: 2018-01-12. Review status: criteria provided, single submitter. Criteria: ICSL Variant Classification Criteria 13 December 2019. Collection method: clinical testing. Allele origin: germline.

Illumina Laboratory Services, Illumina
Classification: Uncertain significance for Café-au-lait macules with pulmonary stenosis. Last evaluated: 2018-01-12. Review status: criteria provided, single submitter. Criteria: ICSL Variant Classification Criteria 13 December 2019. Collection method: clinical testing. Allele origin: germline.

Illumina Laboratory Services, Illumina
Classification: Uncertain significance for Neurofibromatosis-Noonan syndrome. Last evaluated: 2018-01-12. Review status: criteria provided, single submitter. Criteria: ICSL Variant Classification Criteria 13 December 2019. Collection method: clinical testing. Allele origin: germline.

Illumina Laboratory Services, Illumina
Classification: Uncertain significance for Neurofibromatosis, familial spinal. Last evaluated: 2018-01-12. Review status: criteria provided, single submitter. Criteria: ICSL Variant Classification Criteria 13 December 2019. Collection method: clinical testing. Allele origin: germline.

NM_001042492.3(NF1):c.7007C>A (p.Ala2336Glu)

Gene: NF1 (neurofibromin 1; plus strand). Cytogenetic location: 17q11.2.
Variant type: single nucleotide variant.
Coding change: c.7007C>A on transcript NM_001042492.3 (MANE Select); coding-DNA position 7007, C replaced by A.
Protein change: p.Ala2336Glu; replaces alanine 2336 with glutamic acid.
Molecular consequence: missense variant.
Genome position (GRCh38, 1-based): chr17:31,340,590, C>A. VCF-style: chr17-31340590-C-A. GRCh37 (hg19) VCF-style: chr17-29667608-C-A.
Other names: c.6944C>A, p.Ala2315Glu (NM_000267.4); short protein forms A2315E, A2336E.
Identifiers: ClinVar variation 322576 (VCV000322576.8), dbSNP rs886052802, ClinGen allele CA10639342.